The following is an entry in ClinVar:

NM_000093.5(COL5A1):c.3941C>T (p.Ser1314Leu)

Gene: COL5A1 (collagen type V alpha 1 chain; plus strand). Cytogenetic location: 9q34.3.
Variant type: single nucleotide variant.
Coding change: c.3941C>T on transcript NM_000093.5 (MANE Select); coding-DNA position 3941, C replaced by T.
Protein change: p.Ser1314Leu; replaces serine 1314 with leucine.
Molecular consequence: missense variant.
Genome position (GRCh38, 1-based): chr9:134,814,831, C>T. VCF-style: chr9-134814831-C-T. GRCh37 (hg19) VCF-style: chr9-137706677-C-T.
Other names: c.3941C>T, p.Ser1314Leu (NM_001278074.1); short protein forms S1314L.
Identifiers: ClinVar variation 1515520 (VCV001515520.8), dbSNP rs2132853691, ClinGen allele CA375456048.

ClinVar aggregate classification (germline): Uncertain significance (1 of 4 stars; one submission).

Conditions:
Ehlers-Danlos syndrome, classic type, 1 (EDSCL1). Also called: EHLERS-DANLOS SYNDROME, GRAVIS TYPE; EHLERS-DANLOS SYNDROME, SEVERE CLASSIC TYPE; Ehlers-Danlos syndrome, type 1; Ehlers-Danlos Syndrome, Classic Type, COL5A1-Related; EDS I. Identifiers: MedGen C0268335, MONDO:0019567, OMIM 130000.

Submission:

Labcorp Genetics (formerly Invitae), Labcorp
Classification: Uncertain significance for Ehlers-Danlos syndrome, classic type, 1. Last evaluated: 2021-03-07. Review status: criteria provided, single submitter. Criteria: Invitae Variant Classification Sherloc (09022015). Collection method: clinical testing. Allele origin: germline.
Comment: This sequence change replaces serine with leucine at codon 1314 of the COL5A1 protein (p.Ser1314Leu). The serine residue is weakly conserved and there is a large physicochemical difference between serine and leucine. This variant is not present in population databases (ExAC no frequency). This variant has not been reported in the literature in individuals with COL5A1-related conditions. Advanced modeling of protein sequence and biophysical properties (such as structural, functional, and spatial information, amino acid conservation, physicochemical variation, residue mobility, and thermodynamic stability) performed at Invitae indicates that this missense variant is not expected to disrupt COL5A1 protein function. In summary, the available evidence is currently insufficient to determine the role of this variant in disease. Therefore, it has been classified as a Variant of Uncertain Significance.